The following is an entry in ClinVar:

ClinVar aggregate classification (germline): Uncertain significance. Review status: criteria provided, multiple submitters, no conflicts (2 of 4 stars). 2 submissions from 2 submitters: Uncertain significance (2). Last evaluated 2026-01-11.

Conditions:
RYR1-related disorder. Also called: RYR1-related disorders; RYR1-related condition. Identifiers: MedGen CN239331.
Congenital multicore myopathy with external ophthalmoplegia (CMYO1B). Also called: MULTIMINICORE DISEASE WITH EXTERNAL OPHTHALMOPLEGIA; MULTICORE MYOPATHY; Minicore myopathy with external ophthalmoplegia; Congenital myopathy 1B, autosomal recessive; Minicore myopathy. Identifiers: Orphanet 598, Orphanet 98905, MedGen C1850674, MONDO:0009712, OMIM 255320, HP:0003789.

Submissions (2):

3billion
Classification: Uncertain significance for Congenital multicore myopathy with external ophthalmoplegia. Last evaluated: 2026-01-11. Review status: criteria provided, single submitter. Criteria: ACMG Guidelines, 2015. Collection method: clinical testing. Allele origin: germline. Affected: yes.
Comment: The variant is not observed in the gnomAD v4.1.0 dataset. Predicted Consequence/Location: Missense variant In silico tool predictions suggest damaging effect of the variant on gene or gene product [REVEL: 0.72 (>=0.6, sensitivity 0.68 and specificity 0.92)]. The variant has been reported as of uncertain significance (ClinVar ID: VCV001471164). Different missense changes at the same codon have been reported as of uncertain significance (ClinVar ID: VCV000430355). Therefore, this variant is classified as VUS according to the recommendation of ACMG/AMP guideline.

Labcorp Genetics (formerly Invitae), Labcorp
Classification: Uncertain significance for RYR1-related disorder. Last evaluated: 2024-01-15. Review status: criteria provided, single submitter. Criteria: Invitae Variant Classification Sherloc (09022015). Collection method: clinical testing. Allele origin: germline.
Comment: This sequence change replaces proline, which is neutral and non-polar, with leucine, which is neutral and non-polar, at codon 864 of the RYR1 protein (p.Pro864Leu). This variant is not present in population databases (gnomAD no frequency). This variant has not been reported in the literature in individuals affected with RYR1-related conditions. ClinVar contains an entry for this variant (Variation ID: 1471164). Advanced modeling of protein sequence and biophysical properties (such as structural, functional, and spatial information, amino acid conservation, physicochemical variation, residue mobility, and thermodynamic stability) has been performed at Invitae for this missense variant, however the output from this modeling did not meet the statistical confidence thresholds required to predict the impact of this variant on RYR1 protein function. In summary, the available evidence is currently insufficient to determine the role of this variant in disease. Therefore, it has been classified as a Variant of Uncertain Significance.

NM_000540.3(RYR1):c.2591C>T (p.Pro864Leu)

Gene: RYR1 (ryanodine receptor 1; plus strand). Cytogenetic location: 19q13.2.
Variant type: single nucleotide variant.
Coding change: c.2591C>T on transcript NM_000540.3 (MANE Select); coding-DNA position 2591, C replaced by T.
Protein change: p.Pro864Leu; replaces proline 864 with leucine.
Molecular consequence: missense variant.
Genome position (GRCh38, 1-based): chr19:38,463,436, C>T. VCF-style: chr19-38463436-C-T. GRCh37 (hg19) VCF-style: chr19-38954076-C-T.
Other names: c.2591C>T, p.Pro864Leu (NM_001042723.2); short protein forms P864L.
Identifiers: ClinVar variation 1471164 (VCV001471164.7), dbSNP rs2145432918, ClinGen allele CA405631743.